The following is an entry in ClinVar:

NM_001370466.1(NOD2):c.1923G>A (p.Pro641=)

Gene: NOD2 (nucleotide binding oligomerization domain containing 2; plus strand). Cytogenetic location: 16q12.1.
Variant type: single nucleotide variant.
Coding change: c.1923G>A on transcript NM_001370466.1 (MANE Select); coding-DNA position 1923, G replaced by A.
Protein change: p.Pro641=; no amino-acid change (proline 641 retained).
Molecular consequence: synonymous variant. On other transcripts: non-coding transcript variant (1).
Genome position (GRCh38, 1-based): chr16:50,711,915, G>A. VCF-style: chr16-50711915-G-A. GRCh37 (hg19) VCF-style: chr16-50745826-G-A.
Other names: c.1923G>A, p.Pro641= (NM_001293557.2); c.2004G>A, p.Pro668= (NM_022162.3); c.2004G>A (LRG_177t1).
Identifiers: ClinVar variation 103118 (VCV000103118.47), dbSNP rs199475914, ClinGen allele CA230143.

ClinVar aggregate classification (germline): Likely benign. Review status: criteria provided, multiple submitters, no conflicts (2 of 4 stars). 5 submissions from 5 submitters: Likely benign (4). 1 of the submissions does not count toward it. Last evaluated 2025-12-20.

Conditions:
Autoinflammatory syndrome. Identifiers: Orphanet 93665, MedGen C3890737, MONDO:0019751.
Blau syndrome (BLAUS). Also called: GRANULOMATOSIS, FAMILIAL JUVENILE SYSTEMIC; GRANULOMATOSIS, FAMILIAL, BLAU TYPE; GRANULOMATOUS INFLAMMATORY ARTHRITIS, DERMATITIS, AND UVEITIS, FAMILIAL; JABS SYNDROME; ARTHROCUTANEOUVEAL GRANULOMATOSIS. Identifiers: Orphanet 90340, MedGen C5201146, MONDO:0008523, OMIM 186580.
Regional enteritis. Also called: Enteritis, Granulomatous. Identifiers: MedGen C0678202, MeSH D003424.

Allele frequency attached by ClinVar (database versions not stated): TOPMed 0.00003; ESP Exome Variant Server 0.00015; gnomAD 0.00019.
gnomAD v4.1: 51 of 1,608,856 alleles (0.0032%); highest among the groups gnomAD compares: Middle Eastern, 0.05%; 1 homozygote.

Submissions (5):

Labcorp Genetics (formerly Invitae), Labcorp
Classification: Likely benign for Regional enteritis; Blau syndrome. Last evaluated: 2025-12-20. Review status: criteria provided, single submitter. Criteria: Invitae Variant Classification Sherloc (09022015). Collection method: clinical testing. Allele origin: germline.

Blueprint Genetics
Classification: Likely benign. Last evaluated: 2024-04-04. Review status: criteria provided, single submitter. Criteria: ACMG Guidelines, 2015. Collection method: clinical testing. Allele origin: germline.

CeGaT Center for Human Genetics Tuebingen
Classification: Likely benign. Last evaluated: 2024-01-01. Review status: criteria provided, single submitter. Criteria: CeGaT Center For Human Genetics Tuebingen Variant Classification Criteria Version 2. Collection method: clinical testing. Allele origin: germline. Affected: yes. Observed: 1 variant allele.
Comment: NOD2: BP4, BP7

Genome Diagnostics Laboratory, The Hospital for Sick Children
Classification: Likely benign for Autoinflammatory syndrome. Last evaluated: 2019-11-01. Review status: criteria provided, single submitter. Criteria: ACMG Guidelines, 2015. Collection method: clinical testing. Allele origin: germline. Affected: yes.

Human Evolutionary Genetics, Institut Pasteur
No classification provided. Review status: no classification provided. Collection method: not provided. Allele origin: germline. Not counted in ClinVar's aggregate classification.
ClinVar note: Converted during submission from untested to not provided.